The following is an entry in ClinVar:

ClinVar aggregate classification (germline): Benign (1 of 4 stars; one submission).

Conditions:
Sessile serrated polyposis cancer syndrome (SSPCS). Identifiers: Orphanet 157798, MedGen C4310714, MONDO:0014919, OMIM 617108.

Submission:

Myriad Genetics, Inc.
Classification: Benign for Sessile serrated polyposis cancer syndrome. Last evaluated: 2026-06-30. Review status: criteria provided, single submitter. Criteria: Myriad Autosomal Dominant, Autosomal Recessive and X-Linked Classification Criteria (2023). Collection method: clinical testing. Allele origin: unknown.
Comment: This variant is considered benign. This variant is a silent/synonymous amino acid change and it is not expected to impact splicing.

NM_017763.6(RNF43):c.798C>T (p.Cys266=)

Gene: RNF43 (ring finger protein 43; minus strand). Cytogenetic location: 17q22.
Variant type: single nucleotide variant.
Coding change: c.798C>T on transcript NM_017763.6 (MANE Select); coding-DNA position 798, C replaced by T.
Protein change: p.Cys266=; no amino-acid change (cysteine 266 retained).
Molecular consequence: synonymous variant.
Genome position (GRCh38, 1-based): chr17:58,360,834, G>A on the plus strand (C>T on the coding strand, the complement: RNF43 is on the minus strand). VCF-style: chr17-58360834-G-A. GRCh37 (hg19) VCF-style: chr17-56438195-G-A.
Other names: c.798C>T, p.Cys266= (NM_001305544.3, NM_001438820.1, NM_001438821.1 and 1 more transcripts); c.417C>T, p.Cys139= (NM_001305545.2, NM_001437987.1).
Identifiers: ClinVar variation 4875757 (VCV004875757.1).